The following is an entry in ClinVar:

ClinVar aggregate classification (germline): Conflicting classifications of pathogenicity. Review status: criteria provided, conflicting classifications (1 of 4 stars). 4 submissions from 4 submitters: Uncertain significance (2); Likely benign (2). Last evaluated 2025-12-10.

Conditions:
EHHADH-related disorder. Also called: EHHADH-related condition.

Allele frequency attached by ClinVar (database versions not stated): 1000 Genomes Project 30x 0.00016; 1000 Genomes Project 0.00020; ExAC 0.00026; gnomAD exomes 0.00036; gnomAD 0.00046 and 0.00048; TOPMed 0.00047.
gnomAD v4.1: 288 of 1,601,508 alleles (0.018%); highest among the groups gnomAD compares: Middle Eastern, 0.25%; 1 homozygote.

Submissions (4):

PreventionGenetics, part of Exact Sciences
Classification: Likely benign for EHHADH-related condition. Last evaluated: 2025-12-10. Review status: criteria provided, single submitter. Criteria: ACMG Guidelines, 2015. Collection method: clinical testing. Allele origin: germline.
Comment: This variant is classified as likely benign based on ACMG/AMP sequence variant interpretation guidelines (Richards et al. 2015 PMID: 25741868, with internal and published modifications).

Blueprint Genetics
Classification: Likely benign. Last evaluated: 2024-11-07. Review status: criteria provided, single submitter. Criteria: ACMG Guidelines, 2015. Collection method: clinical testing. Allele origin: germline.

Eurofins Ntd Llc (ga)
Classification: Uncertain significance. Last evaluated: 2018-02-01. Review status: criteria provided, single submitter. Criteria: EGL Classification Definitions 2015. Collection method: clinical testing. Allele origin: germline. Observed: 5 variant alleles, 5 heterozygotes.

Breakthrough Genomics
Classification: Uncertain significance. Review status: criteria provided, single submitter. Criteria: ACMG Guidelines, 2015. Collection method: not provided. Allele origin: germline. Inheritance: Autosomal dominant inheritance. Affected: yes.

NM_001966.4(EHHADH):c.179-5C>T

Gene: EHHADH (enoyl-CoA hydratase and 3-hydroxyacyl CoA dehydrogenase; minus strand). Cytogenetic location: 3q27.2.
Variant type: single nucleotide variant.
Coding change: c.179-5C>T on transcript NM_001966.4 (MANE Select); 5 bases into the intron before coding-DNA position 179, C replaced by T.
Molecular consequence: intron variant.
Genome position (GRCh38, 1-based): chr3:185,235,467, G>A on the plus strand (C>T on the coding strand, the complement: EHHADH is on the minus strand). VCF-style: chr3-185235467-G-A. GRCh37 (hg19) VCF-style: chr3-184953255-G-A.
Other names: c.-110-5C>T (NM_001166415.2); c.179-5C>T (NM_001966.3).
Identifiers: ClinVar variation 502760 (VCV000502760.8), dbSNP rs553081493, ClinGen allele CA2739287.
Genomic context (GRCh38, chr3:185,235,467, plus strand): 5'-ATGTCCCAGTGTAAGGCCAAATGTCCTAGGAGCACTGAAGCCACGAATATCAGCACCTAA[G>A]GGCACAAAGACAAGGAGAAAACAGAGTTGAGAAATACATGGGCATTGTTATATAACAGTA-3'